The following is an entry in ClinVar:

NM_015141.4(GPD1L):c.928C>T (p.Arg310Cys)

Gene: GPD1L (glycerol-3-phosphate dehydrogenase 1 like; plus strand). Cytogenetic location: 3p22.3.
Variant type: single nucleotide variant.
Coding change: c.928C>T on transcript NM_015141.4 (MANE Select); coding-DNA position 928, C replaced by T.
Protein change: p.Arg310Cys; replaces arginine 310 with cysteine.
Molecular consequence: missense variant.
Genome position (GRCh38, 1-based): chr3:32,159,643, C>T. VCF-style: chr3-32159643-C-T. GRCh37 (hg19) VCF-style: chr3-32201135-C-T.
Other names: short protein forms R310C.
Identifiers: ClinVar variation 3854958 (VCV003854958.1).

ClinVar aggregate classification (germline): Uncertain significance (1 of 4 stars; one submission).

Conditions:
Cardiovascular phenotype. Identifiers: MedGen CN230736.

Submission:

Ambry Genetics
Classification: Uncertain significance for Cardiovascular phenotype. Last evaluated: 2025-02-10. Review status: criteria provided, single submitter. Criteria: Ambry Variant Classification Scheme 2023. Collection method: clinical testing. Allele origin: germline.
Comment: The p.R310C variant (also known as c.928C>T), located in coding exon 7 of the GPD1L gene, results from a C to T substitution at nucleotide position 928. The arginine at codon 310 is replaced by cysteine, an amino acid with highly dissimilar properties. This amino acid position is conserved. In addition, this alteration is predicted to be tolerated by in silico analysis. Based on the available evidence, the clinical significance of this variant remains unclear.